The following is an entry in ClinVar:

ClinVar aggregate classification (germline): Uncertain significance (1 of 4 stars; one submission).

Conditions:
Nephrolithiasis/nephrocalcinosis. Identifiers: MedGen CN580796.

Submission:

Ambry Genetics
Classification: Uncertain significance for Nephrolithiasis/nephrocalcinosis. Last evaluated: 2022-01-27. Review status: criteria provided, single submitter. Criteria: Ambry Variant Classification Scheme 2023. Collection method: clinical testing. Allele origin: germline.
Comment: The p.A214T variant (also known as c.640G>A), located in coding exon 3 of the CASR gene, results from a G to A substitution at nucleotide position 640. The alanine at codon 214 is replaced by threonine, an amino acid with similar properties. This amino acid position is conserved. In addition, the in silico prediction for this alteration is inconclusive. Since supporting evidence is limited at this time, the clinical significance of this alteration remains unclear.

NM_000388.4(CASR):c.640G>A (p.Ala214Thr)

Gene: CASR (calcium sensing receptor; plus strand). Cytogenetic location: 3q21.1.
Variant type: single nucleotide variant.
Coding change: c.640G>A on transcript NM_000388.4 (MANE Select); coding-DNA position 640, G replaced by A.
Protein change: p.Ala214Thr; replaces alanine 214 with threonine.
Molecular consequence: missense variant.
Genome position (GRCh38, 1-based): chr3:122,261,675, G>A. VCF-style: chr3-122261675-G-A. GRCh37 (hg19) VCF-style: chr3-121980522-G-A.
Other names: c.640G>A, p.Ala214Thr (NM_001178065.2); short protein forms A214T.
Identifiers: ClinVar variation 1753375 (VCV001753375.2), dbSNP rs2473225770, ClinGen allele CA354151026.